The following is an entry in ClinVar:

NM_198253.3(TERT):c.851C>T (p.Ser284Phe)

Gene: TERT (telomerase reverse transcriptase; minus strand). Cytogenetic location: 5p15.33.
Variant type: single nucleotide variant.
Coding change: c.851C>T on transcript NM_198253.3 (MANE Select); coding-DNA position 851, C replaced by T.
Protein change: p.Ser284Phe; replaces serine 284 with phenylalanine.
Molecular consequence: missense variant. On other transcripts: non-coding transcript variant (2).
Genome position (GRCh38, 1-based): chr5:1,294,035, G>A on the plus strand (C>T on the coding strand, the complement: TERT is on the minus strand). VCF-style: chr5-1294035-G-A. GRCh37 (hg19) VCF-style: chr5-1294150-G-A.
Other names: c.851C>T, p.Ser284Phe (NM_001193376.3); short protein forms S284F.
Identifiers: ClinVar variation 946175 (VCV000946175.12), dbSNP rs1279190294, ClinGen allele CA359056482.

ClinVar aggregate classification (germline): Uncertain significance. Review status: criteria provided, multiple submitters, no conflicts (2 of 4 stars). 3 submissions from 3 submitters: Uncertain significance (3). Last evaluated 2025-07-16.

Conditions:
Idiopathic Pulmonary Fibrosis. Also called: Idiopathic fibrosing alveolitis, chronic form; idiopathic fibrosing alveolitis. Identifiers: Orphanet 2032, MedGen C1800706, MeSH D054990, MONDO:0800504.
Dyskeratosis congenita, autosomal dominant 2. Identifiers: MedGen C3151443, MONDO:0013521, OMIM 613989.
Dyskeratosis congenita. Identifiers: Orphanet 1775, MedGen C0265965, MONDO:0015780.

Allele frequency attached by ClinVar (database versions not stated): gnomAD exomes below 0.00001.
gnomAD v4.1: 5 of 1,600,430 alleles (0.00031%); highest among the groups gnomAD compares: African/African-American, 0.0013%; no homozygotes.

Submissions (3):

Ambry Genetics
Classification: Uncertain significance for Dyskeratosis congenita. Last evaluated: 2025-07-16. Review status: criteria provided, single submitter. Criteria: Ambry Variant Classification Scheme 2023. Collection method: clinical testing. Allele origin: germline.
Comment: The p.S284F variant (also known as c.851C>T), located in coding exon 2 of the TERT gene, results from a C to T substitution at nucleotide position 851. The serine at codon 284 is replaced by phenylalanine, an amino acid with highly dissimilar properties. This amino acid position is not well conserved in available vertebrate species. In addition, the in silico prediction for this alteration is inconclusive. Based on the available evidence, the clinical significance of this variant remains unclear.

Labcorp Genetics (formerly Invitae), Labcorp
Classification: Uncertain significance for Dyskeratosis congenita, autosomal dominant 2; Idiopathic Pulmonary Fibrosis. Last evaluated: 2023-06-19. Review status: criteria provided, single submitter. Criteria: Invitae Variant Classification Sherloc (09022015). Collection method: clinical testing. Allele origin: germline.
Comment: Advanced modeling of protein sequence and biophysical properties (such as structural, functional, and spatial information, amino acid conservation, physicochemical variation, residue mobility, and thermodynamic stability) performed at Invitae indicates that this missense variant is expected to disrupt TERT protein function. ClinVar contains an entry for this variant (Variation ID: 946175). In summary, the available evidence is currently insufficient to determine the role of this variant in disease. Therefore, it has been classified as a Variant of Uncertain Significance. This variant is not present in population databases (gnomAD no frequency). This variant has not been reported in the literature in individuals affected with TERT-related conditions. This sequence change replaces serine, which is neutral and polar, with phenylalanine, which is neutral and non-polar, at codon 284 of the TERT protein (p.Ser284Phe).

Blueprint Genetics
Classification: Uncertain significance. Last evaluated: 2020-05-15. Review status: criteria provided, single submitter. Criteria: ACMG Guidelines, 2015. Collection method: clinical testing. Allele origin: germline.